The following is an entry in ClinVar:

ClinVar aggregate classification (germline): Likely pathogenic. Review status: criteria provided, multiple submitters, no conflicts (2 of 4 stars). 3 submissions from 3 submitters: Likely pathogenic (2). 1 of the submissions does not count toward it. Last evaluated 2026-01-16.

Conditions:
Primary hyperoxaluria, type II (HP2). Also called: D-GLYCERATE DEHYDROGENASE DEFICIENCY; GLYCERIC ACIDURIA; GLYOXYLATE REDUCTASE/HYDROXYPYRUVATE REDUCTASE DEFICIENCY; OXALOSIS II; Primary hyperoxaluria type 2. Identifiers: Orphanet 416, Orphanet 93599, MedGen C0268165, MONDO:0009824, OMIM 260000. Disease mechanism: loss of function.

gnomAD v4.1: 8 of 1,610,978 alleles (0.0005%); highest among the groups gnomAD compares: East Asian, 0.0089%; no homozygotes.

Submissions (3):

Natera, Inc.
Classification: Likely pathogenic for Primary hyperoxaluria type II. Last evaluated: 2026-01-16. Review status: criteria provided, single submitter. Criteria: Natera Variant Classification Schema (03/2026). Collection method: clinical testing. Allele origin: germline.
Comment: The c.419C>T variant in GRHPR is a missense variant predicted to cause substitution of serine to leucine at amino acid 140. This variant is rare in the general population with a frequency below the threshold expected for the associated phenotype(s). This variant has been observed in one or more individuals affected with the associated recessive disease, as either homozygous or compound heterozygous with a second variant (PMID: 37306718). Given the available evidence, this variant is classified as Likely Pathogenic.

Fulgent Genetics
Classification: Likely pathogenic for Primary hyperoxaluria, type II. Last evaluated: 2024-06-06. Review status: criteria provided, single submitter. Criteria: ACMG Guidelines, 2015. Collection method: clinical testing. Allele origin: germline.

Chinese Inherited Urolithiasis Consortium, The Affiliated Yantai Yuhuangding Hospital of Qingdao University
Classification: Likely pathogenic for Primary hyperoxaluria, type II. Last evaluated: 2024-08-26. Review status: no assertion criteria provided. Collection method: clinical testing. Allele origin: paternal, maternal. Affected: yes. Observed: 2 variant alleles. Not counted in ClinVar's aggregate classification.

Literature cited by the submitters: PubMed 37306718 (cited by Natera, Inc.).

NM_012203.2(GRHPR):c.419C>T (p.Ser140Leu)

Gene: GRHPR (glyoxylate and hydroxypyruvate reductase; plus strand). Cytogenetic location: 9p13.2.
Variant type: single nucleotide variant.
Coding change: c.419C>T on transcript NM_012203.2 (MANE Select); coding-DNA position 419, C replaced by T.
Protein change: p.Ser140Leu; replaces serine 140 with leucine.
Molecular consequence: missense variant.
Genome position (GRCh38, 1-based): chr9:37,428,498, C>T. VCF-style: chr9-37428498-C-T. GRCh37 (hg19) VCF-style: chr9-37428495-C-T.
Other names: c.419C>T (NM_012203.1); short protein forms S140L.
Identifiers: ClinVar variation 3359188 (VCV003359188.5).
Genomic context (GRCh38, chr9:37,428,498, plus strand): 5'-TTGGTCCAAGGCTGGGCCTCTCACCTGCCCCTCTCTCTCCCCTCAGTGGTGGCTGGACCT[C>T]GTGGAAGCCCCTCTGGCTGTGTGGCTATGGACTCACGCAGAGCACTGTCGGCATCATCGG-3'
Protein context (NP_036335.1, residues 130-150): IEEVKNGGWT[Ser140Leu]WKPLWLCGYG